The following is an entry in ClinVar:

ClinVar aggregate classification (germline): Uncertain significance (1 of 4 stars; one submission).

Submission:

GeneDx
Classification: Uncertain significance. Last evaluated: 2019-07-29. Review status: criteria provided, single submitter. Criteria: GeneDx Variant Classification Process June 2021. Collection method: clinical testing. Allele origin: germline. Affected: yes.
Comment: Not observed in large population cohorts (Lek et al., 2016); In silico analysis, which includes protein predictors and evolutionary conservation, supports a deleterious effect; Has not been previously published as pathogenic or benign to our knowledge

NM_170606.3(KMT2C):c.9520G>T (p.Asp3174Tyr)

Gene: KMT2C (lysine methyltransferase 2C; minus strand). Cytogenetic location: 7q36.1.
Variant type: single nucleotide variant.
Coding change: c.9520G>T on transcript NM_170606.3 (MANE Select); coding-DNA position 9520, G replaced by T.
Protein change: p.Asp3174Tyr; replaces aspartic acid 3174 with tyrosine.
Molecular consequence: missense variant.
Genome position (GRCh38, 1-based): chr7:152,167,376, C>A on the plus strand (G>T on the coding strand, the complement: KMT2C is on the minus strand). VCF-style: chr7-152167376-C-A. GRCh37 (hg19) VCF-style: chr7-151864461-C-A.
Other names: short protein forms D3174Y.
Identifiers: ClinVar variation 1307230 (VCV001307230.2), dbSNP rs773038479, ClinGen allele CA370107032.